The following is an entry in ClinVar:

ClinVar aggregate classification (germline): Uncertain significance (1 of 4 stars; one submission).

Allele frequency attached by ClinVar (database versions not stated): 1000 Genomes Project 30x 0.00016; ExAC 0.00002; gnomAD 0.00001; TOPMed 0.00002; 1000 Genomes Project 0.00020.
gnomAD v4.1: 14 of 1,614,122 alleles (0.00087%); highest among the groups gnomAD compares: Admixed American, 0.022%; no homozygotes.

Submission:

Labcorp Genetics (formerly Invitae), Labcorp
Classification: Uncertain significance. Last evaluated: 2021-12-08. Review status: criteria provided, single submitter. Criteria: Invitae Variant Classification Sherloc (09022015). Collection method: clinical testing. Allele origin: germline.
Comment: This sequence change replaces serine, which is neutral and polar, with phenylalanine, which is neutral and non-polar, at codon 2339 of the GPR179 protein (p.Ser2339Phe). This variant is present in population databases (rs180920570, gnomAD 0.01%). This variant has not been reported in the literature in individuals affected with GPR179-related conditions. Algorithms developed to predict the effect of missense changes on protein structure and function output the following: SIFT: "Tolerated"; PolyPhen-2: "Benign"; Align-GVGD: "Class C0". The phenylalanine amino acid residue is found in multiple mammalian species, which suggests that this missense change does not adversely affect protein function. In summary, the available evidence is currently insufficient to determine the role of this variant in disease. Therefore, it has been classified as a Variant of Uncertain Significance.

NM_001004334.4(GPR179):c.7016C>T (p.Ser2339Phe)

Gene: GPR179 (G protein-coupled receptor 179; minus strand). Cytogenetic location: 17q12.
Variant type: single nucleotide variant.
Coding change: c.7016C>T on transcript NM_001004334.4 (MANE Select); coding-DNA position 7016, C replaced by T.
Protein change: p.Ser2339Phe; replaces serine 2339 with phenylalanine.
Molecular consequence: missense variant.
Genome position (GRCh38, 1-based): chr17:38,326,553, G>A on the plus strand (C>T on the coding strand, the complement: GPR179 is on the minus strand). VCF-style: chr17-38326553-G-A. GRCh37 (hg19) VCF-style: chr17-36482436-G-A.
Other names: short protein forms S2339F.
Identifiers: ClinVar variation 1477301 (VCV001477301.3), dbSNP rs180920570, ClinGen allele CA290102675.